The following is an entry in ClinVar:

NM_000094.4(COL7A1):c.4128del (p.Gly1377fs)

Gene: COL7A1 (collagen type VII alpha 1 chain; minus strand). Cytogenetic location: 3p21.31.
Variant type: Deletion.
Coding change: c.4128del on transcript NM_000094.4 (MANE Select); coding-DNA position 4128, one base deleted (T; older notation c.4128delT).
Protein change: p.Gly1377fs; shifts the reading frame from glycine 1377.
Molecular consequence: frameshift variant.
Genome position (GRCh38, 1-based): chr3:48,584,367, A deleted on the plus strand (T on the coding strand, the reverse complement: COL7A1 is on the minus strand). VCF-style (leftmost placement, unchanged base first): chr3-48584366-CA-C. GRCh37 (hg19) VCF-style: chr3-48621799-CA-C.
Other names: c.4128delT (NM_000094.4, NM_000094.3); c.4128del (NM_000094.3); short protein forms G1377fs.
Identifiers: ClinVar variation 663385 (VCV000663385.8), dbSNP rs1575466699, ClinGen allele CA915942517.

ClinVar aggregate classification (germline): Pathogenic. Review status: criteria provided, multiple submitters, no conflicts (2 of 4 stars). 4 submissions from 4 submitters: Pathogenic (4). Last evaluated 2024-10-27.

Conditions:
Epidermolysis bullosa dystrophica. Also called: Dystrophic epidermolysis bullosa; Dystrophic epidermolysis bullosa, Hallopeau-Siemens type (formerly). Identifiers: Orphanet 303, MedGen C0079294, MONDO:0006543.
Recessive dystrophic epidermolysis bullosa (RDEB). Also called: DYSTROPHIC EPIDERMOLYSIS BULLOSA, AUTOSOMAL RECESSIVE; EPIDERMOLYSIS BULLOSA DYSTROPHICA, HALLOPEAU-SIEMENS TYPE; severe generalized recessive dystrophic epidermolysis bullosa; EPIDERMOLYSIS BULLOSA DYSTROPHICA, GENERALIZED SEVERE, AUTOSOMAL RECESSIVE; epidermolysis bullosa dystrophica, autosomal recessive; Epidermolysis Bullosa Distrophica Autosomal Recessive (RDEB). Identifiers: Orphanet 79408, Orphanet 79409, MedGen C0079474, MONDO:0009179, OMIM 226600.

Allele frequency attached by ClinVar (database versions not stated): gnomAD exomes below 0.00001.

Submissions (4):

Myriad Genetics, Inc.
Classification: Pathogenic for Recessive dystrophic epidermolysis bullosa. Last evaluated: 2024-10-27. Review status: criteria provided, single submitter. Criteria: Myriad Autosomal Dominant, Autosomal Recessive and X-Linked Classification Criteria (2023). Collection method: clinical testing. Allele origin: unknown.
Comment: NM_000094.3(COL7A1):c.4128delT(G1377Dfs*22) is expected to be pathogenic in the context of dystrophic epidermolysis bullosa. This variant is predicted to lead to an abnormal or absent protein product due to the creation of a premature termination codon in COL7A1, a gene where loss-of-function variants are known to be pathogenic. Please note: this variant was assessed in the context of healthy population screening.

GeneDx
Classification: Pathogenic. Last evaluated: 2024-09-19. Review status: criteria provided, single submitter. Criteria: GeneDx Variant Classification Process June 2021. Collection method: clinical testing. Allele origin: germline. Affected: yes.
Comment: Frameshift variant predicted to result in protein truncation or nonsense mediated decay in a gene for which loss of function is a known mechanism of disease; Not observed at significant frequency in large population cohorts (gnomAD); This variant is associated with the following publications: (PMID: 25913354, 33274474, 35598269, 36287101)

Labcorp Genetics (formerly Invitae), Labcorp
Classification: Pathogenic. Last evaluated: 2023-01-13. Review status: criteria provided, single submitter. Criteria: Invitae Variant Classification Sherloc (09022015). Collection method: clinical testing. Allele origin: germline.
Comment: For these reasons, this variant has been classified as Pathogenic. ClinVar contains an entry for this variant (Variation ID: 663385). This premature translational stop signal has been observed in individual(s) with epidermolysis bullosa dystrophica (PMID: 25913354). In at least one individual the data is consistent with being in trans (on the opposite chromosome) from a pathogenic variant. This variant is not present in population databases (gnomAD no frequency). This sequence change creates a premature translational stop signal (p.Gly1377Aspfs*22) in the COL7A1 gene. It is expected to result in an absent or disrupted protein product. Loss-of-function variants in COL7A1 are known to be pathogenic (PMID: 16971478).

Biomedical Innovation Departament, CIEMAT
Classification: Pathogenic for Dystrophic epidermolysis bullosa. Last evaluated: 2018-08-29. Review status: criteria provided, single submitter. Criteria: ACMG Guidelines, 2015. Collection method: research. Allele origin: germline. Affected: yes. Observed: 1 variant allele.

Literature cited by the submitters: PubMed 25913354 (cited by Labcorp Genetics (formerly Invitae), Labcorp and Biomedical Innovation Departament, CIEMAT); PubMed 16971478 (cited by Labcorp Genetics (formerly Invitae), Labcorp).